The following is an entry in ClinVar:

ClinVar aggregate classification (germline): Uncertain significance (1 of 4 stars; one submission).

Conditions:
Brody myopathy. Also called: BRODY DISEASE. Identifiers: Orphanet 53347, MedGen C1832918, MONDO:0010977, OMIM 601003.

gnomAD v4.1: 3 of 1,613,928 alleles (0.00019%); highest among the groups gnomAD compares: Non-Finnish European, 0.00025%; no homozygotes.

Submission:

Labcorp Genetics (formerly Invitae), Labcorp
Classification: Uncertain significance for Brody myopathy. Last evaluated: 2021-11-25. Review status: criteria provided, single submitter. Criteria: Invitae Variant Classification Sherloc (09022015). Collection method: clinical testing. Allele origin: germline.
Comment: In summary, the available evidence is currently insufficient to determine the role of this variant in disease. Therefore, it has been classified as a Variant of Uncertain Significance. Algorithms developed to predict the effect of missense changes on protein structure and function are either unavailable or do not agree on the potential impact of this missense change (SIFT: "Deleterious"; PolyPhen-2: "Possibly Damaging"; Align-GVGD: "Class C0"). This variant has not been reported in the literature in individuals affected with ATP2A1-related conditions. This variant is not present in population databases (gnomAD no frequency). This sequence change replaces asparagine, which is neutral and polar, with serine, which is neutral and polar, at codon 39 of the ATP2A1 protein (p.Asn39Ser).

NM_004320.6(ATP2A1):c.116A>G (p.Asn39Ser)

Gene: ATP2A1 (ATPase sarcoplasmic/endoplasmic reticulum Ca2+ transporting 1; plus strand). Cytogenetic location: 16p11.2.
Variant type: single nucleotide variant.
Coding change: c.116A>G on transcript NM_004320.6 (MANE Select); coding-DNA position 116, A replaced by G.
Protein change: p.Asn39Ser; replaces asparagine 39 with serine.
Molecular consequence: missense variant.
Genome position (GRCh38, 1-based): chr16:28,878,787, A>G. VCF-style: chr16-28878787-A-G. GRCh37 (hg19) VCF-style: chr16-28890108-A-G.
Other names: c.116A>G, p.Asn39Ser (NM_173201.5); short protein forms N39S.
Identifiers: ClinVar variation 1356419 (VCV001356419.6), dbSNP rs2152195750, ClinGen allele CA395399622.